The following is an entry in ClinVar:

NM_001322934.2(NFKB2):c.1718G>A (p.Gly573Asp)

Gene: NFKB2 (nuclear factor kappa B subunit 2; plus strand). Cytogenetic location: 10q24.32.
Variant type: single nucleotide variant.
Coding change: c.1718G>A on transcript NM_001322934.2 (MANE Select); coding-DNA position 1718, G replaced by A.
Protein change: p.Gly573Asp; replaces glycine 573 with aspartic acid.
Molecular consequence: missense variant.
Genome position (GRCh38, 1-based): chr10:102,400,411, G>A. VCF-style: chr10-102400411-G-A. GRCh37 (hg19) VCF-style: chr10-104160168-G-A.
Other names: c.1718G>A, p.Gly573Asp (NM_001077494.3, NM_001261403.3, NM_001288724.1 and 1 more transcripts); c.1592G>A, p.Gly531Asp (NM_001322935.1); short protein forms G531D, G573D.
Identifiers: ClinVar variation 3606355 (VCV003606355.2).

ClinVar aggregate classification (germline): Uncertain significance (1 of 4 stars; one submission).

Conditions:
Immunodeficiency, common variable, 10. Also called: DEFICIT IN ANTERIOR PITUITARY FUNCTION AND VARIABLE IMMUNODEFICIENCY; IMMUNODEFICIENCY, COMMON VARIABLE, WITH CENTRAL ADRENAL INSUFFICIENCY. Identifiers: MedGen C3809991, MONDO:0014260, OMIM 615577.

gnomAD v4.1: 6 of 1,613,100 alleles (0.00037%); highest among the groups gnomAD compares: Non-Finnish European, 0.00051%; no homozygotes.

Submission:

Labcorp Genetics (formerly Invitae), Labcorp
Classification: Uncertain significance for Immunodeficiency, common variable, 10. Last evaluated: 2025-05-30. Review status: criteria provided, single submitter. Criteria: Invitae Variant Classification Sherloc (09022015). Collection method: clinical testing. Allele origin: germline.
Comment: This sequence change replaces glycine, which is neutral and non-polar, with aspartic acid, which is acidic and polar, at codon 573 of the NFKB2 protein (p.Gly573Asp). This variant is not present in population databases (gnomAD no frequency). This variant has not been reported in the literature in individuals affected with NFKB2-related conditions. ClinVar contains an entry for this variant (Variation ID: 3606355). An algorithm developed to predict the effect of missense changes on protein structure and function (PolyPhen-2) suggests that this variant is likely to be tolerated. In summary, the available evidence is currently insufficient to determine the role of this variant in disease. Therefore, it has been classified as a Variant of Uncertain Significance.